The following is an entry in ClinVar:

ClinVar aggregate classification (germline): Uncertain significance (1 of 4 stars; one submission).

Conditions:
Hypertrophic cardiomyopathy 11. Also called: ACTC1-Related Familial Hypertrophic Cardiomyopathy. Identifiers: MedGen C2677506, MONDO:0012799, OMIM 612098.
Dilated cardiomyopathy 1R (CMD1R). Identifiers: Orphanet 154, Orphanet 54260, MedGen C3150681, MONDO:0013261, OMIM 613424.
Atrial septal defect 5 (ASD5). Identifiers: Orphanet 1478, MedGen C2748552, MONDO:0013011, OMIM 612794.

Submission:

Labcorp Genetics (formerly Invitae), Labcorp
Classification: Uncertain significance for Dilated cardiomyopathy 1R; Hypertrophic cardiomyopathy 11; Atrial septal defect 5. Last evaluated: 2022-12-16. Review status: criteria provided, single submitter. Criteria: Invitae Variant Classification Sherloc (09022015). Collection method: clinical testing. Allele origin: germline.
Comment: Advanced modeling of protein sequence and biophysical properties (such as structural, functional, and spatial information, amino acid conservation, physicochemical variation, residue mobility, and thermodynamic stability) performed at Invitae indicates that this missense variant is expected to disrupt ACTC1 protein function. This sequence change replaces asparagine, which is neutral and polar, with histidine, which is basic and polar, at codon 113 of the ACTC1 protein (p.Asn113His). This variant is not present in population databases (gnomAD no frequency). This variant has not been reported in the literature in individuals affected with ACTC1-related conditions. In summary, the available evidence is currently insufficient to determine the role of this variant in disease. Therefore, it has been classified as a Variant of Uncertain Significance.

NM_005159.5(ACTC1):c.337A>C (p.Asn113His)

Genes: ACTC1 (actin alpha cardiac muscle 1; minus strand), GJD2-DT (GJD2 divergent transcript; plus strand). Cytogenetic location: 15q14.
Variant type: single nucleotide variant.
Coding change: c.337A>C on transcript NM_005159.5 (MANE Select); coding-DNA position 337, A replaced by C.
Protein change: p.Asn113His; replaces asparagine 113 with histidine.
Molecular consequence: missense variant. On other transcripts: 5 prime UTR variant (1).
Genome position (GRCh38, 1-based): chr15:34,793,362, T>G on the plus strand (A>C on the coding strand, the complement: ACTC1 is on the minus strand). VCF-style: chr15-34793362-T-G. GRCh37 (hg19) VCF-style: chr15-35085563-T-G.
Other names: c.337A>C, p.Asn113His (NM_001406482.1, NM_001406483.1); c.202A>C, p.Asn68His (NM_001406484.1); c.-52A>C (NM_001406485.1); short protein forms N68H, N113H.
Identifiers: ClinVar variation 2942146 (VCV002942146.3), dbSNP rs2504182784, ClinGen allele CA391631465.